The following is an entry in ClinVar:

ClinVar aggregate classification (germline): Likely benign (1 of 4 stars; one submission).

Allele frequency attached by ClinVar (database versions not stated): 1000 Genomes Project 30x 0.00172; TOPMed 0.00281; ExAC 0.00305; ESP Exome Variant Server 0.00308; gnomAD 0.00327; gnomAD exomes 0.00329; 1000 Genomes Project 0.00160.
gnomAD v4.1: 5,256 of 1,610,744 alleles (0.33%); highest among the groups gnomAD compares: Non-Finnish European, 0.38%; 13 homozygotes.

Submission:

CeGaT Center for Human Genetics Tuebingen
Classification: Likely benign. Last evaluated: 2022-12-01. Review status: criteria provided, single submitter. Criteria: CeGaT Center For Human Genetics Tuebingen Variant Classification Criteria Version 2. Collection method: clinical testing. Allele origin: germline. Affected: yes. Observed: 2 variant alleles.
Comment: TFB2M: BP4, BP7, BS2

NM_022366.3(TFB2M):c.1176C>T (p.Thr392=)

Gene: TFB2M (transcription factor B2, mitochondrial; minus strand). Cytogenetic location: 1q44.
Variant type: single nucleotide variant.
Coding change: c.1176C>T on transcript NM_022366.3 (MANE Select); coding-DNA position 1176, C replaced by T.
Protein change: p.Thr392=; no amino-acid change (threonine 392 retained).
Molecular consequence: synonymous variant.
Genome position (GRCh38, 1-based): chr1:246,541,046, G>A on the plus strand (C>T on the coding strand, the complement: TFB2M is on the minus strand). VCF-style: chr1-246541046-G-A. GRCh37 (hg19) VCF-style: chr1-246704348-G-A.
Identifiers: ClinVar variation 2640234 (VCV002640234.24), dbSNP rs143882766, ClinGen allele CA1489439.
Genomic context (GRCh38, chr1:246,541,046, plus strand): 5'-TTTCCAAATAAATGAACCGCTCCACCAAAAACGACAGTCTAGTTGCTACCTATCTTCCAG[G>A]GTTTCATCATACAGCCATTTATAAGCACAATCTTTGGAACGCTCTATAGTTTCAAAAAGT-3'
Protein context (NP_071761.1, residues 382-396): DCAYKWLYDE[Thr392=]LEDR